The following is an entry in ClinVar:

ClinVar aggregate classification (germline): Uncertain significance. Review status: criteria provided, multiple submitters, no conflicts (2 of 4 stars). 2 submissions from 2 submitters: Uncertain significance (2). Last evaluated 2025-05-11.

Conditions:
Spastic paraplegia. Identifiers: MedGen C0037772, HP:0001258.

Allele frequency attached by ClinVar (database versions not stated): gnomAD 0.00001; TOPMed 0.00001.
gnomAD v4.1: 20 of 1,610,026 alleles (0.0012%); highest among the groups gnomAD compares: South Asian, 0.0044%; 1 homozygote.

Submissions (2):

Labcorp Genetics (formerly Invitae), Labcorp
Classification: Uncertain significance for Spastic paraplegia. Last evaluated: 2025-05-11. Review status: criteria provided, single submitter. Criteria: Invitae Variant Classification Sherloc (09022015). Collection method: clinical testing. Allele origin: germline.
Comment: This sequence change replaces threonine, which is neutral and polar, with isoleucine, which is neutral and non-polar, at codon 767 of the KIF5A protein (p.Thr767Ile). This variant is present in population databases (rs765493045, gnomAD 0.003%). This variant has not been reported in the literature in individuals affected with KIF5A-related conditions. ClinVar contains an entry for this variant (Variation ID: 2201178). An algorithm developed to predict the effect of missense changes on protein structure and function (PolyPhen-2) suggests that this variant is likely to be tolerated. In summary, the available evidence is currently insufficient to determine the role of this variant in disease. Therefore, it has been classified as a Variant of Uncertain Significance.

CeGaT Center for Human Genetics Tuebingen
Classification: Uncertain significance. Last evaluated: 2024-05-01. Review status: criteria provided, single submitter. Criteria: CeGaT Center For Human Genetics Tuebingen Variant Classification Criteria Version 2. Collection method: clinical testing. Allele origin: germline. Affected: yes. Observed: 1 variant allele.

NM_004984.4(KIF5A):c.2300C>T (p.Thr767Ile)

Gene: KIF5A (kinesin family member 5A; plus strand). Cytogenetic location: 12q13.3.
Variant type: single nucleotide variant.
Coding change: c.2300C>T on transcript NM_004984.4 (MANE Select); coding-DNA position 2300, C replaced by T.
Protein change: p.Thr767Ile; replaces threonine 767 with isoleucine.
Molecular consequence: missense variant.
Genome position (GRCh38, 1-based): chr12:57,576,862, C>T. VCF-style: chr12-57576862-C-T. GRCh37 (hg19) VCF-style: chr12-57970645-C-T.
Other names: c.2033C>T, p.Thr678Ile (NM_001354705.2); short protein forms T767I, T678I.
Identifiers: ClinVar variation 2201178 (VCV002201178.23), dbSNP rs765493045, ClinGen allele CA6653067.